The following is an entry in ClinVar:

NM_025257.3(SLC44A4):c.1165C>T (p.Leu389Phe)

Gene: SLC44A4 (solute carrier family 44 member 4; minus strand). Cytogenetic location: 6p21.33.
Variant type: single nucleotide variant.
Coding change: c.1165C>T on transcript NM_025257.3 (MANE Select); coding-DNA position 1165, C replaced by T.
Protein change: p.Leu389Phe; replaces leucine 389 with phenylalanine.
Molecular consequence: missense variant.
Genome position (GRCh38, 1-based): chr6:31,869,223, G>A on the plus strand (C>T on the coding strand, the complement: SLC44A4 is on the minus strand). VCF-style: chr6-31869223-G-A. GRCh37 (hg19) VCF-style: chr6-31837000-G-A.
Other names: c.1039C>T, p.Leu347Phe (NM_001178044.2); c.937C>T, p.Leu313Phe (NM_001178045.2); short protein forms L347F, L389F, L313F.
Identifiers: ClinVar variation 3652504 (VCV003652504.2).

ClinVar aggregate classification (germline): Uncertain significance (1 of 4 stars; one submission).

Submission:

Labcorp Genetics (formerly Invitae), Labcorp
Classification: Uncertain significance. Last evaluated: 2024-05-07. Review status: criteria provided, single submitter. Criteria: Invitae Variant Classification Sherloc (09022015). Collection method: clinical testing. Allele origin: germline.
Comment: This sequence change replaces leucine, which is neutral and non-polar, with phenylalanine, which is neutral and non-polar, at codon 389 of the SLC44A4 protein (p.Leu389Phe). The frequency data for this variant in the population databases is considered unreliable, as metrics indicate poor data quality at this position in the gnomAD database. This variant has not been reported in the literature in individuals affected with SLC44A4-related conditions. Algorithms developed to predict the effect of missense changes on protein structure and function output the following: SIFT: "Not Available"; PolyPhen-2: "Benign"; Align-GVGD: "Not Available". The phenylalanine amino acid residue is found in multiple mammalian species, which suggests that this missense change does not adversely affect protein function. In summary, the available evidence is currently insufficient to determine the role of this variant in disease. Therefore, it has been classified as a Variant of Uncertain Significance.